The following is an entry in ClinVar:

ClinVar aggregate classification (germline): Conflicting classifications of pathogenicity. Review status: criteria provided, conflicting classifications (1 of 4 stars). 3 submissions from 3 submitters: Uncertain significance (1); Likely benign (1). 1 of the submissions does not count toward it. Last evaluated 2025-12-14.

Conditions:
TUB-related disorder. Also called: TUB-related condition.

Allele frequency attached by ClinVar (database versions not stated): TOPMed 0.00010; ESP Exome Variant Server 0.00015.
gnomAD v4.1: 143 of 1,614,018 alleles (0.0089%); highest among the groups gnomAD compares: Admixed American, 0.04%; no homozygotes.

Submissions (3):

Labcorp Genetics (formerly Invitae), Labcorp
Classification: Likely benign. Last evaluated: 2025-12-14. Review status: criteria provided, single submitter. Criteria: Invitae Variant Classification Sherloc (09022015). Collection method: clinical testing. Allele origin: germline.

Blueprint Genetics
Classification: Uncertain significance. Last evaluated: 2024-10-14. Review status: criteria provided, single submitter. Criteria: ACMG Guidelines, 2015. Collection method: clinical testing. Allele origin: germline.

PreventionGenetics, part of Exact Sciences
Classification: Likely benign for TUB-related condition. Last evaluated: 2022-05-06. Review status: no assertion criteria provided. Collection method: clinical testing. Allele origin: germline. Not counted in ClinVar's aggregate classification.
Comment: This variant is classified as likely benign based on ACMG/AMP sequence variant interpretation guidelines (Richards et al. 2015 PMID: 25741868, with internal and published modifications).

NM_177972.3(TUB):c.682G>A (p.Val228Ile)

Genes: RIC3 (RIC3 acetylcholine receptor chaperone; minus strand), TUB (TUB bipartite transcription factor; plus strand). Cytogenetic location: 11p15.4.
Variant type: single nucleotide variant.
Coding change: c.682G>A on transcript NM_177972.3 (MANE Select); coding-DNA position 682, G replaced by A.
Protein change: p.Val228Ile; replaces valine 228 with isoleucine.
Molecular consequence: missense variant.
Genome position (GRCh38, 1-based): chr11:8,096,801, G>A. VCF-style: chr11-8096801-G-A. GRCh37 (hg19) VCF-style: chr11-8118348-G-A.
Other names: c.847G>A, p.Val283Ile (NM_003320.5); short protein forms V228I, V283I.
Identifiers: ClinVar variation 764940 (VCV000764940.11), dbSNP rs140700813, ClinGen allele CA5871185.